The following is an entry in ClinVar:

ClinVar aggregate classification (germline): Likely benign. Review status: criteria provided, single submitter (1 of 4 stars). 2 submissions from 2 submitters: Likely benign (1). 1 of the submissions does not count toward it. Last evaluated 2024-12-04.

Conditions:
CELSR2-related disorder. Also called: CELSR2-related condition.

Allele frequency attached by ClinVar (database versions not stated): ESP Exome Variant Server 0.00008; gnomAD exomes 0.00010 and 0.00044; gnomAD 0.00021; TOPMed 0.00022; ExAC 0.00045; 1000 Genomes Project 0.00060; 1000 Genomes Project 30x 0.00078.
gnomAD v4.1: 190 of 1,614,022 alleles (0.012%); highest among the groups gnomAD compares: East Asian, 0.27%; 1 homozygote.

Submissions (2):

Labcorp Genetics (formerly Invitae), Labcorp
Classification: Likely benign. Last evaluated: 2024-12-04. Review status: criteria provided, single submitter. Criteria: Invitae Variant Classification Sherloc (09022015). Collection method: clinical testing. Allele origin: germline.

PreventionGenetics, part of Exact Sciences
Classification: Likely benign for CELSR2-related condition. Last evaluated: 2019-10-28. Review status: no assertion criteria provided. Collection method: clinical testing. Allele origin: germline. Not counted in ClinVar's aggregate classification.
Comment: This variant is classified as likely benign based on ACMG/AMP sequence variant interpretation guidelines (Richards et al. 2015 PMID: 25741868, with internal and published modifications).

NM_001408.3(CELSR2):c.7876C>T (p.Arg2626Cys)

Gene: CELSR2 (cadherin EGF LAG seven-pass G-type receptor 2; plus strand). Cytogenetic location: 1p13.3.
Variant type: single nucleotide variant.
Coding change: c.7876C>T on transcript NM_001408.3 (MANE Select); coding-DNA position 7876, C replaced by T.
Protein change: p.Arg2626Cys; replaces arginine 2626 with cysteine.
Molecular consequence: missense variant.
Genome position (GRCh38, 1-based): chr1:109,271,672, C>T. VCF-style: chr1-109271672-C-T. GRCh37 (hg19) VCF-style: chr1-109814294-C-T.
Other names: c.7876C>T (NM_001408.2); short protein forms R2626C.
Identifiers: ClinVar variation 1666220 (VCV001666220.10), dbSNP rs201869358, ClinGen allele CA988387.